The following is an entry in ClinVar:

NM_000091.5(COL4A3):c.6C>G (p.Ser2Arg)

Genes: COL4A3 (collagen type IV alpha 3 chain; plus strand), LOC129935730 (ATAC-STARR-seq lymphoblastoid silent region 12397; plus strand). Cytogenetic location: 2q36.3.
Variant type: single nucleotide variant.
Coding change: c.6C>G on transcript NM_000091.5 (MANE Select); coding-DNA position 6, C replaced by G.
Protein change: p.Ser2Arg; replaces serine 2 with arginine.
Molecular consequence: missense variant.
Genome position (GRCh38, 1-based): chr2:227,164,732, C>G. VCF-style: chr2-227164732-C-G. GRCh37 (hg19) VCF-style: chr2-228029448-C-G.
Other names: short protein forms S2R.
Identifiers: ClinVar variation 3370980 (VCV003370980.2).
Genomic context (GRCh38, chr2:227,164,732, plus strand): 5'-GGCCTGAGAGCCTGAGGGTCCCCGGACTCGCCCAGGCTCTGAGCGCGCGCCCACCATGAG[C>G]GCCCGGACCGCCCCCAGGCCGCAGGTGCTCCTGCTGCCGCTCCTGCTGGTGCTCCTGGCG-3'
Protein context (NP_000082.2, residues 1-12): M[Ser2Arg]ARTAPRPQVL

ClinVar aggregate classification (germline): Uncertain significance. Review status: criteria provided, multiple submitters, no conflicts (2 of 4 stars). 2 submissions from 2 submitters: Uncertain significance (2). Last evaluated 2025-06-22.

gnomAD v4.1: 9 of 1,529,896 alleles (0.00059%); highest among the groups gnomAD compares: African/African-American, 0.0014%; no homozygotes.

Submissions (2):

Labcorp Genetics (formerly Invitae), Labcorp
Classification: Uncertain significance. Last evaluated: 2025-06-22. Review status: criteria provided, single submitter. Criteria: Invitae Variant Classification Sherloc (09022015). Collection method: clinical testing. Allele origin: germline.
Comment: This sequence change replaces serine, which is neutral and polar, with arginine, which is basic and polar, at codon 2 of the COL4A3 protein (p.Ser2Arg). This variant is present in population databases (no rsID available, gnomAD 0.005%). This variant has not been reported in the literature in individuals affected with COL4A3-related conditions. ClinVar contains an entry for this variant (Variation ID: 3370980). Invitae Evidence Modeling of protein sequence and biophysical properties (such as structural, functional, and spatial information, amino acid conservation, physicochemical variation, residue mobility, and thermodynamic stability) indicates that this missense variant is not expected to disrupt COL4A3 protein function with a negative predictive value of 95%. In summary, the available evidence is currently insufficient to determine the role of this variant in disease. Therefore, it has been classified as a Variant of Uncertain Significance.

GeneDx
Classification: Uncertain significance. Last evaluated: 2024-03-15. Review status: criteria provided, single submitter. Criteria: GeneDx Variant Classification Process June 2021. Collection method: clinical testing. Allele origin: germline. Affected: yes.
Comment: Not observed at significant frequency in large population cohorts (gnomAD); In silico analysis supports that this missense variant does not alter protein structure/function; Has not been previously published as pathogenic or benign to our knowledge